The following is an entry in ClinVar:

NM_001384474.1(LOXHD1):c.3325A>T (p.Ile1109Phe)

Gene: LOXHD1 (lipoxygenase homology PLAT domains 1; minus strand). Cytogenetic location: 18q21.1.
Variant type: single nucleotide variant.
Coding change: c.3325A>T on transcript NM_001384474.1 (MANE Select); coding-DNA position 3325, A replaced by T.
Protein change: p.Ile1109Phe; replaces isoleucine 1109 with phenylalanine.
Molecular consequence: missense variant. On other transcripts: 5 prime UTR variant (1).
Genome position (GRCh38, 1-based): chr18:46,557,381, T>A on the plus strand (A>T on the coding strand, the complement: LOXHD1 is on the minus strand). VCF-style: chr18-46557381-T-A. GRCh37 (hg19) VCF-style: chr18-44137344-T-A.
Other names: c.-9A>T (NM_001145472.3); c.3325A>T, p.Ile1109Phe (NM_144612.7); short protein forms I1109F.
Identifiers: ClinVar variation 2882959 (VCV002882959.4), dbSNP rs1297610213, ClinGen allele CA402368661.

ClinVar aggregate classification (germline): Likely pathogenic. Review status: criteria provided, multiple submitters, no conflicts (2 of 4 stars). 2 submissions from 2 submitters: Likely pathogenic (2). Last evaluated 2024-10-01.

Conditions:
Autosomal recessive nonsyndromic hearing loss 77. Identifiers: Orphanet 90636, MedGen C2746083, MONDO:0013119, OMIM 613079.

Allele frequency attached by ClinVar (database versions not stated): TOPMed 0.00001; gnomAD 0.00002.
gnomAD v4.1: 14 of 1,552,244 alleles (0.0009%); highest among the groups gnomAD compares: Non-Finnish European, 0.001%; no homozygotes.

Submissions (2):

Labcorp Genetics (formerly Invitae), Labcorp
Classification: Likely pathogenic. Last evaluated: 2024-10-01. Review status: criteria provided, single submitter. Criteria: Invitae Variant Classification Sherloc (09022015). Collection method: clinical testing. Allele origin: germline.
Comment: This sequence change replaces isoleucine, which is neutral and non-polar, with phenylalanine, which is neutral and non-polar, at codon 1109 of the LOXHD1 protein (p.Ile1109Phe). This variant is present in population databases (no rsID available, gnomAD 0.002%). This missense change has been observed in individual(s) with autosomal recessive hearing loss (PMID: 35875410). In at least one individual the data is consistent with being in trans (on the opposite chromosome) from a pathogenic variant. It has also been observed to segregate with disease in related individuals. An algorithm developed to predict the effect of missense changes on protein structure and function (PolyPhen-2) suggests that this variant is likely to be disruptive. In summary, the currently available evidence indicates that the variant is pathogenic, but additional data are needed to prove that conclusively. Therefore, this variant has been classified as Likely Pathogenic.

Clinical Genetics Service, Universitary Hospital 12 de Octubre
Classification: Likely pathogenic for Autosomal recessive nonsyndromic hearing loss 77. Review status: criteria provided, single submitter. Criteria: ACMG Guidelines, 2015. Collection method: clinical testing. Allele origin: germline. Affected: yes.

Literature cited by the submitters: PubMed 35875410 (cited by Labcorp Genetics (formerly Invitae), Labcorp).